The following is an entry in ClinVar:

ClinVar aggregate classification (germline): Uncertain significance (1 of 4 stars; one submission).

Conditions:
PKD1-related disorder. Also called: PKD1-related condition.

Submission:

PreventionGenetics, part of Exact Sciences
Classification: Uncertain significance for PKD1-related condition. Last evaluated: 2023-04-07. Review status: criteria provided, single submitter. Criteria: ACMG Guidelines, 2015. Collection method: clinical testing. Allele origin: germline.
Comment: The PKD1 c.11748G>A variant is not predicted to result in an amino acid change (p.=). Several splicing prediction programs indicate that this variant may lead to creation of a novel splice acceptor site (Alamut Visual Plus v1.6.1). To our knowledge, this variant has not been reported in the literature or in a large population database, indicating this variant is rare. At this time, the clinical significance of this variant is uncertain due to the absence of conclusive functional and genetic evidence.

NM_001009944.3(PKD1):c.11748G>A (p.Val3916=)

Gene: PKD1 (polycystin 1, transient receptor potential channel interacting; minus strand). Cytogenetic location: 16p13.3.
Variant type: single nucleotide variant.
Coding change: c.11748G>A on transcript NM_001009944.3 (MANE Select); coding-DNA position 11748, G replaced by A.
Protein change: p.Val3916=; no amino-acid change (valine 3916 retained).
Molecular consequence: synonymous variant.
Genome position (GRCh38, 1-based): chr16:2,091,139, C>T on the plus strand (G>A on the coding strand, the complement: PKD1 is on the minus strand). VCF-style: chr16-2091139-C-T. GRCh37 (hg19) VCF-style: chr16-2141140-C-T.
Other names: c.11745G>A, p.Val3915= (NM_000296.4).
Identifiers: ClinVar variation 2633352 (VCV002633352.1), dbSNP rs2544600376, ClinGen allele CA493044747.